The following is an entry in ClinVar:

ClinVar aggregate classification (germline): Pathogenic. Review status: reviewed by expert panel (3 of 4 stars). 3 submissions from 3 submitters: Pathogenic (1). 2 of the submissions do not count toward it. Last evaluated 2016-10-18.

Conditions:
Hereditary breast ovarian cancer syndrome. Also called: Hereditary breast and ovarian cancer syndrome; Hereditary breast and ovarian cancer; Hereditary breast and ovarian cancer syndrome (HBOC); Breast and ovarian cancer; Hereditary breast and/or ovarian cancer syndrome; BRCA1- and BRCA2-Associated Hereditary Breast and Ovarian Cancer. Identifiers: Orphanet 145, MedGen C0677776, MeSH D061325, MONDO:0003582. Disease mechanism: loss of function.
Breast-ovarian cancer, familial, susceptibility to, 2 (BROVCA2). Also called: BRCA2 Hereditary Breast and Ovarian Cancer. Identifiers: Orphanet 145, MedGen C2675520, MONDO:0012933, OMIM 612555. Disease mechanism: loss of function.

Submissions (3):

Evidence-based Network for the Interpretation of Germline Mutant Alleles (ENIGMA)
Classification: Pathogenic for Breast-ovarian cancer, familial, susceptibility to, 2. Last evaluated: 2016-10-18. Review status: reviewed by expert panel. Criteria: ENIGMA BRCA1/2 Classification Criteria (2015). Collection method: curation. Allele origin: germline.
Comment: Variant allele predicted to encode a truncated non-functional protein.

Labcorp Genetics (formerly Invitae), Labcorp
Classification: Pathogenic for Hereditary breast ovarian cancer syndrome. Last evaluated: 2022-09-22. Review status: criteria provided, single submitter. Criteria: Invitae Variant Classification Sherloc (09022015). Collection method: clinical testing. Allele origin: germline. Not counted in ClinVar's aggregate classification.
Comment: This premature translational stop signal has been observed in individual(s) with personal or family history of breast and/or ovarian cancer (PMID: 29446198). ClinVar contains an entry for this variant (Variation ID: 51335). For these reasons, this variant has been classified as Pathogenic. This variant is not present in population databases (gnomAD no frequency). This sequence change creates a premature translational stop signal (p.Tyr91*) in the BRCA2 gene. It is expected to result in an absent or disrupted protein product. Loss-of-function variants in BRCA2 are known to be pathogenic (PMID: 20104584).

Consortium of Investigators of Modifiers of BRCA1/2 (CIMBA), c/o University of Cambridge
Classification: Pathogenic for Breast-ovarian cancer, familial, susceptibility to, 2. Last evaluated: 2015-10-02. Review status: criteria provided, single submitter. Criteria: CIMBA Mutation Classification guidelines May 2016. Collection method: clinical testing. Allele origin: germline. Not counted in ClinVar's aggregate classification.

Literature cited by the submitters: PubMed 29446198 (cited by Labcorp Genetics (formerly Invitae), Labcorp); PubMed 20104584 (cited by Labcorp Genetics (formerly Invitae), Labcorp).

NM_000059.4(BRCA2):c.273C>G (p.Tyr91Ter)

Gene: BRCA2 (BRCA2 DNA repair associated; plus strand). Cytogenetic location: 13q13.1.
Variant type: single nucleotide variant.
Coding change: c.273C>G on transcript NM_000059.4 (MANE Select); coding-DNA position 273, C replaced by G.
Protein change: p.Tyr91Ter; replaces tyrosine 91 with a stop codon.
Molecular consequence: nonsense.
Genome position (GRCh38, 1-based): chr13:32,319,282, C>G. VCF-style: chr13-32319282-C-G. GRCh37 (hg19) VCF-style: chr13-32893419-C-G.
Other names: 501C>G; short protein forms Y91*.
Identifiers: ClinVar variation 51335 (VCV000051335.10), dbSNP rs145988146, ClinGen allele CA016209.